The following is an entry in ClinVar:

NM_000103.4(CYP19A1):c.*2039G>T

Genes: MIR4713HG (MIR4713 host gene; plus strand), CYP19A1 (cytochrome P450 family 19 subfamily A member 1; minus strand), PIRC66 (piwi-interacting RNA cluster 66; plus strand). Cytogenetic location: 15q21.2.
Variant type: single nucleotide variant.
Coding change: c.*2039G>T on transcript NM_000103.4 (MANE Select); 2039 bases downstream of the stop codon, G replaced by T.
Molecular consequence: 3 prime UTR variant.
Genome position (GRCh38, 1-based): chr15:51,208,769, C>A on the plus strand (G>T on the coding strand, the complement: CYP19A1 is on the minus strand). VCF-style: chr15-51208769-C-A. GRCh37 (hg19) VCF-style: chr15-51500966-C-A.
Other names: c.*2039G>T (NM_001347248.1, NM_001347249.2, NM_001347250.2 and 7 more transcripts).
Identifiers: ClinVar variation 316449 (VCV000316449.6), dbSNP rs35636804, ClinGen allele CA10646236.

ClinVar aggregate classification (germline): Benign. Review status: criteria provided, multiple submitters, no conflicts (2 of 4 stars). 2 submissions from 2 submitters: Benign (2). Last evaluated 2018-01-12.

Conditions:
Aromatase deficiency. Also called: Increased aromatase activity; PSEUDOHERMAPHRODITISM, FEMALE, DUE TO PLACENTAL AROMATASE DEFICIENCY. Identifiers: Orphanet 91, MedGen C1960539, MONDO:0013301, OMIM 613546.

Allele frequency attached by ClinVar (database versions not stated): 1000 Genomes Project 30x 0.01921; 1000 Genomes Project 0.01937; TOPMed 0.02996; gnomAD 0.03201 and 0.03278.

Submissions (2):

Illumina Laboratory Services, Illumina
Classification: Benign for Aromatase deficiency. Last evaluated: 2018-01-12. Review status: criteria provided, single submitter. Criteria: ICSL Variant Classification Criteria 13 December 2019. Collection method: clinical testing. Allele origin: germline.
Comment: This variant was observed in the ICSL laboratory as part of a predisposition screen in an ostensibly healthy population. It had not been previously curated by ICSL or reported in the Human Gene Mutation Database (HGMD: prior to June 1st, 2018), and was therefore a candidate for classification through an automated scoring system. Utilizing variant allele frequency, disease prevalence and penetrance estimates, and inheritance mode, an automated score was calculated to assess if this variant is too frequent to cause the disease. Based on the score and internal cut-off values, a variant classified as benign is not then subjected to further curation. The score for this variant resulted in a classification of benign for this disease.

Breakthrough Genomics
Classification: Benign. Review status: criteria provided, single submitter. Criteria: ACMG Guidelines, 2015. Collection method: not provided. Allele origin: germline. Inheritance: Unknown mechanism. Affected: yes.